The following is an entry in ClinVar:

NM_017882.3(CLN6):c.14G>A (p.Arg5Gln)

Gene: CLN6 (CLN6 transmembrane ER protein; minus strand). Cytogenetic location: 15q23.
Variant type: single nucleotide variant.
Coding change: c.14G>A on transcript NM_017882.3 (MANE Select); coding-DNA position 14, G replaced by A.
Protein change: p.Arg5Gln; replaces arginine 5 with glutamine.
Molecular consequence: missense variant.
Genome position (GRCh38, 1-based): chr15:68,229,571, C>T on the plus strand (G>A on the coding strand, the complement: CLN6 is on the minus strand). VCF-style: chr15-68229571-C-T. GRCh37 (hg19) VCF-style: chr15-68521909-C-T.
Other names: short protein forms R5Q.
Identifiers: ClinVar variation 942498 (VCV000942498.10), dbSNP rs2093262797, ClinGen allele CA392978313.

ClinVar aggregate classification (germline): Uncertain significance (1 of 4 stars; one submission).

Conditions:
Neuronal ceroid lipofuscinosis. Also called: Neuronal Ceroid Lipofuscinoses. Identifiers: Orphanet 216, Orphanet 79263, MedGen C0027877, MONDO:0016295. Disease mechanism: loss of function.

Submission:

Labcorp Genetics (formerly Invitae), Labcorp
Classification: Uncertain significance for Neuronal ceroid lipofuscinosis. Last evaluated: 2024-10-23. Review status: criteria provided, single submitter. Criteria: Invitae Variant Classification Sherloc (09022015). Collection method: clinical testing. Allele origin: germline.
Comment: This sequence change replaces arginine, which is basic and polar, with glutamine, which is neutral and polar, at codon 5 of the CLN6 protein (p.Arg5Gln). This variant is not present in population databases (gnomAD no frequency). This variant has not been reported in the literature in individuals affected with CLN6-related conditions. ClinVar contains an entry for this variant (Variation ID: 942498). Invitae Evidence Modeling of protein sequence and biophysical properties (such as structural, functional, and spatial information, amino acid conservation, physicochemical variation, residue mobility, and thermodynamic stability) indicates that this missense variant is not expected to disrupt CLN6 protein function with a negative predictive value of 80%. This variant disrupts the p.Arg5 amino acid residue in CLN6. Other variant(s) that disrupt this residue have been determined to be pathogenic (PMID: 21990111, 28831385, 33024953). This suggests that this residue is clinically significant, and that variants that disrupt this residue are likely to be disease-causing. In summary, the available evidence is currently insufficient to determine the role of this variant in disease. Therefore, it has been classified as a Variant of Uncertain Significance.

Literature cited by the submitters: PubMed 21990111; PubMed 28831385; PubMed 33024953.